The following is an entry in ClinVar:

NM_003036.4(SKI):c.1934G>A (p.Arg645Gln)

Gene: SKI (SKI proto-oncogene; plus strand). Cytogenetic location: 1p36.32.
Variant type: single nucleotide variant.
Coding change: c.1934G>A on transcript NM_003036.4 (MANE Select); coding-DNA position 1934, G replaced by A.
Protein change: p.Arg645Gln; replaces arginine 645 with glutamine.
Molecular consequence: missense variant.
Genome position (GRCh38, 1-based): chr1:2,306,186, G>A. VCF-style: chr1-2306186-G-A. GRCh37 (hg19) VCF-style: chr1-2237625-G-A.
Other names: short protein forms R645Q.
Identifiers: ClinVar variation 1804341 (VCV001804341.5), dbSNP rs1344882099, ClinGen allele CA337959130.
Genomic context (GRCh38, chr1:2,306,186, plus strand): 5'-AGAAGATGAAAGAGGCCAACGAGTCACGGCTGCGCCTGAAGCGGGAGCTGGAGCAGGCGC[G>A]GCAGGCCCGGGTGTGCGACAAGGGCTGCGAGGCGGGCCGCCTGCGCGCCAAGTACTCGGC-3'
Protein context (NP_003027.1, residues 635-655): LRLKRELEQA[Arg645Gln]QARVCDKGCE

ClinVar aggregate classification (germline): Uncertain significance. Review status: criteria provided, multiple submitters, no conflicts (2 of 4 stars). 3 submissions from 3 submitters: Uncertain significance (3). Last evaluated 2026-02-12.

Conditions:
Shprintzen-Goldberg syndrome (SGS). Also called: SHPRINTZEN-GOLDBERG CRANIOSYNOSTOSIS SYNDROME; CRANIOSYNOSTOSIS WITH ARACHNODACTYLY AND ABDOMINAL HERNIAS; Marfanoid disorder with craniosynostosis type 1; Marfanoid craniosynostosis syndrome; Shprintzen-Goldberg marfanoid syndrome. Identifiers: Orphanet 2462, MedGen C1321551, MONDO:0008426, OMIM 182212.
Familial thoracic aortic aneurysm and aortic dissection (TAAD). Also called: Thoracic aortic aneurysms and dissections. Identifiers: Orphanet 91387, MedGen C4707243, MONDO:0019625.

gnomAD v4.1: 5 of 1,584,572 alleles (0.00032%); highest among the groups gnomAD compares: Middle Eastern, 0.017%; no homozygotes.

Submissions (3):

GeneDx
Classification: Uncertain significance. Last evaluated: 2026-02-12. Review status: criteria provided, single submitter. Criteria: GeneDx Variant Classification Process June 2021. Collection method: clinical testing. Allele origin: germline.
Comment: In silico analysis suggests that this missense variant does not alter protein structure/function; Has not been previously published as pathogenic or benign to our knowledge

Ambry Genetics
Classification: Uncertain significance for Familial thoracic aortic aneurysm and aortic dissection. Last evaluated: 2025-11-15. Review status: criteria provided, single submitter. Criteria: Ambry Variant Classification Scheme 2023. Collection method: clinical testing. Allele origin: germline.
Comment: The p.R645Q variant (also known as c.1934G>A), located in coding exon 6 of the SKI gene, results from a G to A substitution at nucleotide position 1934. The arginine at codon 645 is replaced by glutamine, an amino acid with highly similar properties. This amino acid position is conserved. In addition, this alteration is predicted to be deleterious by in silico analysis. Based on the available evidence, the clinical significance of this variant remains unclear.

Labcorp Genetics (formerly Invitae), Labcorp
Classification: Uncertain significance for Shprintzen-Goldberg syndrome. Last evaluated: 2024-04-11. Review status: criteria provided, single submitter. Criteria: Invitae Variant Classification Sherloc (09022015). Collection method: clinical testing. Allele origin: germline.
Comment: This sequence change replaces arginine, which is basic and polar, with glutamine, which is neutral and polar, at codon 645 of the SKI protein (p.Arg645Gln). This variant is not present in population databases (gnomAD no frequency). This variant has not been reported in the literature in individuals affected with SKI-related conditions. ClinVar contains an entry for this variant (Variation ID: 1804341). Advanced modeling of protein sequence and biophysical properties (such as structural, functional, and spatial information, amino acid conservation, physicochemical variation, residue mobility, and thermodynamic stability) has been performed at Invitae for this missense variant, however the output from this modeling did not meet the statistical confidence thresholds required to predict the impact of this variant on SKI protein function. In summary, the available evidence is currently insufficient to determine the role of this variant in disease. Therefore, it has been classified as a Variant of Uncertain Significance.